The following is an entry in ClinVar:

ClinVar aggregate classification (germline): Uncertain significance (1 of 4 stars; one submission).

Allele frequency attached by ClinVar (database versions not stated): gnomAD exomes below 0.00001; TOPMed below 0.00001; ExAC 0.00001.
gnomAD v4.1: 6 of 1,614,236 alleles (0.00037%); highest among the groups gnomAD compares: East Asian, 0.013%; no homozygotes.

Submission:

Labcorp Genetics (formerly Invitae), Labcorp
Classification: Uncertain significance. Last evaluated: 2023-12-31. Review status: criteria provided, single submitter. Criteria: Invitae Variant Classification Sherloc (09022015). Collection method: clinical testing. Allele origin: germline.
Comment: This sequence change replaces methionine, which is neutral and non-polar, with valine, which is neutral and non-polar, at codon 749 of the DUOX2 protein (p.Met749Val). This variant is not present in population databases (gnomAD no frequency). This variant has not been reported in the literature in individuals affected with DUOX2-related conditions. ClinVar contains an entry for this variant (Variation ID: 1346128). Advanced modeling of protein sequence and biophysical properties (such as structural, functional, and spatial information, amino acid conservation, physicochemical variation, residue mobility, and thermodynamic stability) performed at Invitae indicates that this missense variant is not expected to disrupt DUOX2 protein function with a negative predictive value of 80%. Algorithms developed to predict the effect of sequence changes on RNA splicing suggest that this variant may disrupt the consensus splice site. In summary, the available evidence is currently insufficient to determine the role of this variant in disease. Therefore, it has been classified as a Variant of Uncertain Significance.

NM_001363711.2(DUOX2):c.2245A>G (p.Met749Val)

Gene: DUOX2 (dual oxidase 2; minus strand). Cytogenetic location: 15q21.1.
Variant type: single nucleotide variant.
Coding change: c.2245A>G on transcript NM_001363711.2 (MANE Select); coding-DNA position 2245, A replaced by G.
Protein change: p.Met749Val; replaces methionine 749 with valine.
Molecular consequence: missense variant.
Genome position (GRCh38, 1-based): chr15:45,105,732, T>C on the plus strand (A>G on the coding strand, the complement: DUOX2 is on the minus strand). VCF-style: chr15-45105732-T-C. GRCh37 (hg19) VCF-style: chr15-45397930-T-C.
Other names: c.2245A>G, p.Met749Val (NM_014080.5); short protein forms M749V.
Identifiers: ClinVar variation 1346128 (VCV001346128.6), dbSNP rs761325730, ClinGen allele CA7538319.